The following is an entry in ClinVar:

ClinVar aggregate classification (germline): Benign. Review status: criteria provided, multiple submitters, no conflicts (2 of 4 stars). 4 submissions from 4 submitters: Benign (3). 1 of the submissions does not count toward it. Last evaluated 2026-02-02.

Conditions:
NFAT5-related disorder. Also called: NFAT5-related condition.
Immunodeficiency. Identifiers: MedGen C0021051, MONDO:0021094, HP:0002721.

Allele frequency attached by ClinVar (database versions not stated): 1000 Genomes Project 0.00300; 1000 Genomes Project 30x 0.00359; gnomAD 0.00766 and 0.00809; ESP Exome Variant Server 0.00800; TOPMed 0.00801; gnomAD exomes 0.00859 and 0.01005; ExAC 0.00888.
gnomAD v4.1: 15,853 of 1,614,198 alleles (0.98%); highest among the groups gnomAD compares: Non-Finnish European, 1.1%; 115 homozygotes.

Submissions (4):

Labcorp Genetics (formerly Invitae), Labcorp
Classification: Benign for Immunodeficiency. Last evaluated: 2026-02-02. Review status: criteria provided, single submitter. Criteria: Invitae Variant Classification Sherloc (09022015). Collection method: clinical testing. Allele origin: germline.

CeGaT Center for Human Genetics Tuebingen
Classification: Benign. Last evaluated: 2024-01-01. Review status: criteria provided, single submitter. Criteria: CeGaT Center For Human Genetics Tuebingen Variant Classification Criteria Version 2. Collection method: clinical testing. Allele origin: germline. Affected: yes. Observed: 3 variant alleles.
Comment: NFAT5: BP4, BP7, BS1, BS2

Breakthrough Genomics
Classification: Benign. Review status: criteria provided, single submitter. Criteria: ACMG Guidelines, 2015. Collection method: not provided. Allele origin: germline. Inheritance: Unknown mechanism. Affected: yes.

PreventionGenetics, part of Exact Sciences
Classification: Benign for NFAT5-related condition. Last evaluated: 2019-07-03. Review status: no assertion criteria provided. Collection method: clinical testing. Allele origin: germline. Not counted in ClinVar's aggregate classification.
Comment: This variant is classified as benign based on ACMG/AMP sequence variant interpretation guidelines (Richards et al. 2015 PMID: 25741868, with internal and published modifications).

NM_138713.4(NFAT5):c.2526G>A (p.Glu842=)

Gene: NFAT5 (nuclear factor of activated T cells 5; plus strand). Cytogenetic location: 16q22.1.
Variant type: single nucleotide variant.
Coding change: c.2526G>A on transcript NM_138713.4 (MANE Select); coding-DNA position 2526, G replaced by A.
Protein change: p.Glu842=; no amino-acid change (glutamic acid 842 retained).
Molecular consequence: synonymous variant.
Genome position (GRCh38, 1-based): chr16:69,692,351, G>A. VCF-style: chr16-69692351-G-A. GRCh37 (hg19) VCF-style: chr16-69726254-G-A.
Other names: c.2523G>A, p.Glu841= (NM_001113178.3); c.1851G>A, p.Glu617= (NM_001367709.1); c.2472G>A, p.Glu824= (NM_006599.4); c.2244G>A, p.Glu748= (NM_138714.4, NM_173214.3, NM_173215.3); c.2526G>A, p.Glu842= (LRG_1332t1).
Identifiers: ClinVar variation 456656 (VCV000456656.37), dbSNP rs61730074, ClinGen allele CA8135771.